The following is an entry in ClinVar:

ClinVar aggregate classification (germline): Uncertain significance. Review status: criteria provided, multiple submitters, no conflicts (2 of 4 stars). 4 submissions from 4 submitters: Uncertain significance (4). Last evaluated 2026-02-24.

Conditions:
Hereditary hemorrhagic telangiectasia (HHT). Also called: Osler hemorrhagic telangiectasia syndrome; ORW DISEASE; Osler Weber Rendu syndrome; OSLER-RENDU-WEBER DISEASE. Identifiers: Orphanet 774, MedGen C0039445, MONDO:0019180. Disease mechanism: loss of function.
ENG-related disorder. Also called: ENG-related condition; ENG-related disorders.
Cardiovascular phenotype. Identifiers: MedGen CN230736.
Telangiectasia, hereditary hemorrhagic, type 1 (HHT1). Also called: Osler Weber Rendu syndrome type 1; ENG-Related Hereditary Hemorrhagic Telangiectasia. Identifiers: Orphanet 774, MedGen C4551861, MONDO:0008535, OMIM 187300. Disease mechanism: loss of function.

Allele frequency attached by ClinVar (database versions not stated): gnomAD exomes below 0.00001; TOPMed 0.00001.
gnomAD v4.1: 6 of 1,614,074 alleles (0.00037%); highest among the groups gnomAD compares: African/African-American, 0.0013%; no homozygotes.

Submissions (4):

Ambry Genetics
Classification: Uncertain significance for Cardiovascular phenotype. Last evaluated: 2026-02-24. Review status: criteria provided, single submitter. Criteria: Ambry Variant Classification Scheme 2023. Collection method: clinical testing. Allele origin: germline.
Comment: The p.Q297E variant (also known as c.889C>G), located in coding exon 7 of the ENG gene, results from a C to G substitution at nucleotide position 889. The glutamine at codon 297 is replaced by glutamic acid, an amino acid with highly similar properties. This amino acid position is conserved. In addition, this alteration is predicted to be tolerated by in silico analysis. Based on the available evidence, the clinical significance of this variant remains unclear.

PreventionGenetics, part of Exact Sciences
Classification: Uncertain significance for ENG-related condition. Last evaluated: 2023-06-21. Review status: criteria provided, single submitter. Criteria: ACMG Guidelines, 2015. Collection method: clinical testing. Allele origin: germline.
Comment: The ENG c.889C>G variant is predicted to result in the amino acid substitution p.Gln297Glu. To our knowledge, this variant has not been reported in the literature or in a large population database, indicating this variant is rare. At this time, the clinical significance of this variant is uncertain due to the absence of conclusive functional and genetic evidence.

Fulgent Genetics
Classification: Uncertain significance for Telangiectasia, hereditary hemorrhagic, type 1. Last evaluated: 2021-09-13. Review status: criteria provided, single submitter. Criteria: ACMG Guidelines, 2015. Collection method: clinical testing. Allele origin: unknown.

Labcorp Genetics (formerly Invitae), Labcorp
Classification: Uncertain significance for Hereditary hemorrhagic telangiectasia. Last evaluated: 2021-08-28. Review status: criteria provided, single submitter. Criteria: Invitae Variant Classification Sherloc (09022015). Collection method: clinical testing. Allele origin: germline.
Comment: This sequence change replaces glutamine with glutamic acid at codon 297 of the ENG protein (p.Gln297Glu). The glutamine residue is moderately conserved and there is a small physicochemical difference between glutamine and glutamic acid. This variant is not present in population databases (ExAC no frequency). This variant has not been reported in the literature in individuals affected with ENG-related conditions. Algorithms developed to predict the effect of missense changes on protein structure and function (SIFT, PolyPhen-2, Align-GVGD) all suggest that this variant is likely to be tolerated. In summary, the available evidence is currently insufficient to determine the role of this variant in disease. Therefore, it has been classified as a Variant of Uncertain Significance.

NM_001114753.3(ENG):c.889C>G (p.Gln297Glu)

Gene: ENG (endoglin; minus strand). Cytogenetic location: 9q34.11.
Variant type: single nucleotide variant.
Coding change: c.889C>G on transcript NM_001114753.3 (MANE Select); coding-DNA position 889, C replaced by G.
Protein change: p.Gln297Glu; replaces glutamine 297 with glutamic acid.
Molecular consequence: missense variant.
Genome position (GRCh38, 1-based): chr9:127,824,902, G>C on the plus strand (C>G on the coding strand, the complement: ENG is on the minus strand). VCF-style: chr9-127824902-G-C. GRCh37 (hg19) VCF-style: chr9-130587181-G-C.
Other names: c.889C>G, p.Gln297Glu (NM_000118.4, NM_001406715.1); c.343C>G, p.Gln115Glu (NM_001278138.2); c.889C>G (NM_001114753.1); short protein forms Q115E, Q297E.
Identifiers: ClinVar variation 1061804 (VCV001061804.10), dbSNP rs1830569895, ClinGen allele CA374982520.